The following is an entry in ClinVar:

ClinVar aggregate classification (germline): Uncertain significance (0 of 4 stars; one submission).

Conditions:
IFT172-related disorder. Also called: IFT172-related disorders; IFT172-related condition.

Submission:

PreventionGenetics, part of Exact Sciences
Classification: Uncertain significance for IFT172-related condition. Last evaluated: 2024-08-30. Review status: no assertion criteria provided. Collection method: clinical testing. Allele origin: germline.
Comment: The IFT172 c.1810G>A variant is predicted to result in the amino acid substitution p.Asp604Asn. To our knowledge, this variant has not been reported in the literature or in a large population database, indicating this variant is rare. At this time, the clinical significance of this variant is uncertain due to the absence of conclusive functional and genetic evidence.

NM_015662.3(IFT172):c.1810G>A (p.Asp604Asn)

Gene: IFT172 (intraflagellar transport 172; minus strand). Cytogenetic location: 2p23.3.
Variant type: single nucleotide variant.
Coding change: c.1810G>A on transcript NM_015662.3 (MANE Select); coding-DNA position 1810, G replaced by A.
Protein change: p.Asp604Asn; replaces aspartic acid 604 with asparagine.
Molecular consequence: missense variant.
Genome position (GRCh38, 1-based): chr2:27,465,765, C>T on the plus strand (G>A on the coding strand, the complement: IFT172 is on the minus strand). VCF-style: chr2-27465765-C-T. GRCh37 (hg19) VCF-style: chr2-27688632-C-T.
Other names: c.1744G>A, p.Asp582Asn (NM_001410739.1); short protein forms D582N, D604N.
Identifiers: ClinVar variation 3347855 (VCV003347855.1).